The following is an entry in ClinVar:

ClinVar aggregate classification (germline): Uncertain significance. Review status: criteria provided, multiple submitters, no conflicts (2 of 4 stars). 2 submissions from 2 submitters: Uncertain significance (2). Last evaluated 2026-08-21.

Conditions:
Hereditary cancer-predisposing syndrome. Also called: Neoplastic Syndromes, Hereditary; Hereditary Cancer Syndrome; Hereditary neoplastic syndrome; Tumor predisposition. Identifiers: Orphanet 140162, MedGen C0027672, MeSH D009386, MONDO:0015356.
Tuberous sclerosis 1 (TSC1). Identifiers: Orphanet 805, MedGen C1854465, MONDO:0008612, OMIM 191100.

Allele frequency attached by ClinVar (database versions not stated): gnomAD exomes below 0.00001; ExAC 0.00001.

Submissions (2):

Ambry Genetics
Classification: Uncertain significance for Hereditary cancer-predisposing syndrome. Last evaluated: 2026-08-21. Review status: criteria provided, single submitter. Criteria: Ambry Variant Classification Scheme 2023. Collection method: clinical testing. Allele origin: germline.
Comment: The p.M194T variant (also known as c.581T>C), located in coding exon 5 of the TSC1 gene, results from a T to C substitution at nucleotide position 581. The methionine at codon 194 is replaced by threonine, an amino acid with similar properties. This amino acid position is highly conserved in available vertebrate species. In addition, this alteration is predicted to be deleterious by in silico analysis. Based on the available evidence, the clinical significance of this variant remains unclear.

Labcorp Genetics (formerly Invitae), Labcorp
Classification: Uncertain significance for Tuberous sclerosis 1. Last evaluated: 2018-08-18. Review status: criteria provided, single submitter. Criteria: Invitae Variant Classification Sherloc (09022015). Collection method: clinical testing. Allele origin: germline.
Comment: This sequence change replaces methionine with threonine at codon 194 of the TSC1 protein (p.Met194Thr). The methionine residue is highly conserved and there is a moderate physicochemical difference between methionine and threonine. This variant is present in population databases (rs746188529, ExAC 0.009%). This variant has not been reported in the literature in individuals with TSC1-related disease. Algorithms developed to predict the effect of missense changes on protein structure and function are either unavailable or do not agree on the potential impact of this missense change (SIFT: "Deleterious"; PolyPhen-2: "Probably Damaging"; Align-GVGD: "Class C0"). In summary, the available evidence is currently insufficient to determine the role of this variant in disease. Therefore, it has been classified as a Variant of Uncertain Significance.

NM_000368.5(TSC1):c.581T>C (p.Met194Thr)

Gene: TSC1 (TSC complex subunit 1; minus strand). Cytogenetic location: 9q34.13.
Variant type: single nucleotide variant.
Coding change: c.581T>C on transcript NM_000368.5 (MANE Select); coding-DNA position 581, T replaced by C.
Protein change: p.Met194Thr; replaces methionine 194 with threonine.
Molecular consequence: missense variant.
Genome position (GRCh38, 1-based): chr9:132,921,901, A>G on the plus strand (T>C on the coding strand, the complement: TSC1 is on the minus strand). VCF-style: chr9-132921901-A-G. GRCh37 (hg19) VCF-style: chr9-135797288-A-G.
Other names: c.581T>C, p.Met194Thr (NM_001162426.2); c.428T>C, p.Met143Thr (NM_001162427.2); c.218T>C, p.Met73Thr (NM_001362177.2); short protein forms M143T, M194T, M73T.
Identifiers: ClinVar variation 642451 (VCV000642451.10), dbSNP rs746188529, ClinGen allele CA038163.